The following is an entry in ClinVar:

NM_001375524.1(TRRAP):c.3530T>A (p.Leu1177His)

Gene: TRRAP (transformation/transcription domain associated protein; plus strand). Cytogenetic location: 7q22.1.
Variant type: single nucleotide variant.
Coding change: c.3530T>A on transcript NM_001375524.1 (MANE Select); coding-DNA position 3530, T replaced by A.
Protein change: p.Leu1177His; replaces leucine 1177 with histidine.
Molecular consequence: missense variant.
Genome position (GRCh38, 1-based): chr7:98,930,769, T>A. VCF-style: chr7-98930769-T-A. GRCh37 (hg19) VCF-style: chr7-98528392-T-A.
Other names: c.3530T>A, p.Leu1177His (NM_001244580.2, NM_003496.4); short protein forms L1177H.
Identifiers: ClinVar variation 3236152 (VCV003236152.1), dbSNP rs2484779918, ClinGen allele CA368300269.
Genomic context (GRCh38, chr7:98,930,769, plus strand): 5'-AGCTGGGGGGTGTGGTGTCTATTAAGTTTCTCATGGAGCGGCTGCCTCTCACTTGGGTTC[T>A]CCAGAACCAGCAGACATTCCTGAAAGCACTTCTCTTTGTCATGATGGACTTAACTGGAGA-3'
Protein context (NP_001362453.1, residues 1167-1187): LMERLPLTWV[Leu1177His]QNQQTFLKAL

ClinVar aggregate classification (germline): Uncertain significance (1 of 4 stars; one submission).

Conditions:
Developmental delay with or without dysmorphic facies and autism. Identifiers: MedGen C5193106, MONDO:0032760, OMIM 618454.

Submission:

MVZ Medizinische Genetik Mainz
Classification: Uncertain significance for Developmental delay with or without dysmorphic facies and autism. Last evaluated: 2021-09-07. Review status: criteria provided, single submitter. Criteria: UK Practice Guidelines For Variant Classification V4 01 2020. Collection method: clinical testing. Allele origin: germline. Inheritance: Autosomal dominant inheritance. Affected: yes. Observed: 1 variant allele.
Comment: ACMG Criteria: PM1_SUP, PM2_SUP, PP2, PP3 (ACMG Version 3)